The following is an entry in ClinVar:

ClinVar aggregate classification (germline): Likely pathogenic (1 of 4 stars; one submission).

Conditions:
MYLK-related disorder. Also called: MYLK-related condition.

Submission:

PreventionGenetics, part of Exact Sciences
Classification: Likely pathogenic for MYLK-related condition. Last evaluated: 2026-07-24. Review status: criteria provided, single submitter. Criteria: ACMG Guidelines, 2015. Collection method: clinical testing. Allele origin: germline.
Comment: The MYLK c.3665_3666delTG variant is predicted to result in a frameshift and premature protein termination (p.Val1222Glufs*23). To our knowledge, this variant has not been reported in the literature or in a large population database (gnomAD), indicating this variant is rare. Frameshift variants in MYLK are expected to be pathogenic. This variant is interpreted as likely pathogenic.

NM_053025.4(MYLK):c.3665_3666del (p.Val1222fs)

Gene: MYLK (myosin light chain kinase; minus strand). Cytogenetic location: 3q21.1.
Variant type: Microsatellite.
Coding change: c.3665_3666del on transcript NM_053025.4 (MANE Select); coding-DNA positions 3665 to 3666, 2 bases deleted (TG; older notation c.3665_3666delTG).
Protein change: p.Val1222fs; shifts the reading frame from valine 1222.
Molecular consequence: frameshift variant.
Genome position (GRCh38, 1-based): chr3:123,667,174-123,667,175, CA deleted on the plus strand (TG on the coding strand, the reverse complement: MYLK is on the minus strand); deleting any 2 consecutive bases within chr3:123,667,174-123,667,177 gives the same sequence; the c. name uses the placement nearest the transcript's 3' end. VCF-style (leftmost placement, unchanged base first): chr3-123667173-TCA-T. GRCh37 (hg19) VCF-style: chr3-123386020-TCA-T.
Other names: c.3137_3138del, p.Val1046fs (NM_001321309.2); c.3458_3459del, p.Val1153fs (NM_053026.4, NM_053028.4); c.3665_3666del, p.Val1222fs (NM_053027.4); short protein forms V1153fs, V1222fs, V1046fs.
Identifiers: ClinVar variation 4981977 (VCV004981977.1).